The following is an entry in ClinVar:

NM_000020.3(ACVRL1):c.1038C>G (p.Ile346Met)

Gene: ACVRL1 (activin A receptor like type 1; plus strand). Cytogenetic location: 12q13.13.
Variant type: single nucleotide variant.
Coding change: c.1038C>G on transcript NM_000020.3 (MANE Select); coding-DNA position 1038, C replaced by G.
Protein change: p.Ile346Met; replaces isoleucine 346 with methionine.
Molecular consequence: missense variant.
Genome position (GRCh38, 1-based): chr12:51,915,490, C>G. VCF-style: chr12-51915490-C-G. GRCh37 (hg19) VCF-style: chr12-52309274-C-G.
Other names: c.1038C>G, p.Ile346Met (NM_001077401.2, NM_001406487.1, NM_001406488.1 and 1 more transcripts); c.726C>G, p.Ile242Met (NM_001406490.1, NM_001406491.1, NM_001406492.1 and 2 more transcripts); c.474C>G, p.Ile158Met (NM_001406495.1); short protein forms I158M, I242M, I346M.
Identifiers: ClinVar variation 2700577 (VCV002700577.3), dbSNP rs2540164988, ClinGen allele CA384901793.

ClinVar aggregate classification (germline): Uncertain significance (1 of 4 stars; one submission).

Conditions:
Telangiectasia, hereditary hemorrhagic, type 2 (HHT2). Also called: Telangiectasia, hereditary hemorrhagic, type II; ACVRL1-Related Hereditary Hemorrhagic Telangiectasia. Identifiers: Orphanet 774, MedGen C1838163, MONDO:0010880, OMIM 600376. Disease mechanism: loss of function.

Submission:

Labcorp Genetics (formerly Invitae), Labcorp
Classification: Uncertain significance for Telangiectasia, hereditary hemorrhagic, type 2. Last evaluated: 2023-12-13. Review status: criteria provided, single submitter. Criteria: Invitae Variant Classification Sherloc (09022015). Collection method: clinical testing. Allele origin: germline.
Comment: This sequence change replaces isoleucine, which is neutral and non-polar, with methionine, which is neutral and non-polar, at codon 346 of the ACVRL1 protein (p.Ile346Met). This variant is not present in population databases (gnomAD no frequency). This variant has not been reported in the literature in individuals affected with ACVRL1-related conditions. Advanced modeling of protein sequence and biophysical properties (such as structural, functional, and spatial information, amino acid conservation, physicochemical variation, residue mobility, and thermodynamic stability) performed at Invitae indicates that this missense variant is expected to disrupt ACVRL1 protein function with a positive predictive value of 95%. In summary, the available evidence is currently insufficient to determine the role of this variant in disease. Therefore, it has been classified as a Variant of Uncertain Significance.